The following is an entry in ClinVar:

NM_000124.4(ERCC6):c.167C>T (p.Thr56Ile)

Gene: ERCC6 (ERCC excision repair 6, chromatin remodeling factor; minus strand). Cytogenetic location: 10q11.23.
Variant type: single nucleotide variant.
Coding change: c.167C>T on transcript NM_000124.4 (MANE Select); coding-DNA position 167, C replaced by T.
Protein change: p.Thr56Ile; replaces threonine 56 with isoleucine.
Molecular consequence: missense variant.
Genome position (GRCh38, 1-based): chr10:49,532,798, G>A on the plus strand (C>T on the coding strand, the complement: ERCC6 is on the minus strand). VCF-style: chr10-49532798-G-A. GRCh37 (hg19) VCF-style: chr10-50740844-G-A.
Other names: c.167C>T, p.Thr56Ile (NM_001277058.2, NM_001277059.2, NM_001346440.2); short protein forms T56I.
Identifiers: ClinVar variation 1468456 (VCV001468456.5), dbSNP rs41281957, ClinGen allele CA5496606.
Genomic context (GRCh38, chr10:49,532,798, plus strand): 5'-TCGATGTGCAGCAGGGCTGGCCCTCTCCTCGGAGCTGCTGATGCGCACCCCACAGCAGAG[G>A]TGGACAGCCCGTCACCCACAGAACGAAAGGAGAGGTACTCCTCCACCTCCCCATCACCAC-3'
Protein context (NP_000115.1, residues 46-66): SFRSVGDGLS[Thr56Ile]SAVGCASAAP

ClinVar aggregate classification (germline): Uncertain significance (1 of 4 stars; one submission).

Allele frequency attached by ClinVar (database versions not stated): gnomAD exomes below 0.00001; ExAC 0.00001; gnomAD 0.00001 and 0.00002; TOPMed 0.00001; 1000 Genomes Project 0.00020; 1000 Genomes Project 30x 0.00031.

Submission:

Labcorp Genetics (formerly Invitae), Labcorp
Classification: Uncertain significance. Last evaluated: 2022-10-24. Review status: criteria provided, single submitter. Criteria: Invitae Variant Classification Sherloc (09022015). Collection method: clinical testing. Allele origin: germline.
Comment: This sequence change replaces threonine, which is neutral and polar, with isoleucine, which is neutral and non-polar, at codon 56 of the ERCC6 protein (p.Thr56Ile). This variant is present in population databases (rs41281957, gnomAD 0.002%). This variant has not been reported in the literature in individuals affected with ERCC6-related conditions. ClinVar contains an entry for this variant (Variation ID: 1468456). Advanced modeling of protein sequence and biophysical properties (such as structural, functional, and spatial information, amino acid conservation, physicochemical variation, residue mobility, and thermodynamic stability) performed at Invitae indicates that this missense variant is not expected to disrupt ERCC6 protein function. In summary, the available evidence is currently insufficient to determine the role of this variant in disease. Therefore, it has been classified as a Variant of Uncertain Significance.